The following is an entry in ClinVar:

ClinVar aggregate classification (germline): Conflicting classifications of pathogenicity. Review status: criteria provided, conflicting classifications (1 of 4 stars). 2 submissions from 2 submitters: Likely pathogenic (1); Uncertain significance (1). Last evaluated 2023-08-31.

Conditions:
CYB5R3-related disorders.

Submissions (2):

Blueprint Genetics
Classification: Likely pathogenic for CYB5R3-related disorders. Last evaluated: 2023-08-31. Review status: criteria provided, single submitter. Criteria: ACMG Guidelines, 2015. Collection method: clinical testing. Allele origin: germline. Affected: yes. Observed: 2 variant alleles.

Labcorp Genetics (formerly Invitae), Labcorp
Classification: Uncertain significance. Last evaluated: 2023-03-09. Review status: criteria provided, single submitter. Criteria: Invitae Variant Classification Sherloc (09022015). Collection method: clinical testing. Allele origin: germline.
Comment: In summary, the available evidence is currently insufficient to determine the role of this variant in disease. Therefore, it has been classified as a Variant of Uncertain Significance. Advanced modeling of protein sequence and biophysical properties (such as structural, functional, and spatial information, amino acid conservation, physicochemical variation, residue mobility, and thermodynamic stability) performed at Invitae indicates that this missense variant is expected to disrupt CYB5R3 protein function. ClinVar contains an entry for this variant (Variation ID: 2138454). This variant is also known as Pro144Ser. This missense change has been observed in individuals with methemoglobinemia (PMID: 15297856, 24266649). This variant is not present in population databases (gnomAD no frequency). This sequence change replaces proline, which is neutral and non-polar, with serine, which is neutral and polar, at codon 145 of the CYB5R3 protein (p.Pro145Ser).

Literature cited by the submitters: PubMed 15297856 (cited by Labcorp Genetics (formerly Invitae), Labcorp); PubMed 24266649 (cited by Labcorp Genetics (formerly Invitae), Labcorp).

NM_000398.7(CYB5R3):c.433C>T (p.Pro145Ser)

Gene: CYB5R3 (cytochrome b5 reductase 3; minus strand). Cytogenetic location: 22q13.2.
Variant type: single nucleotide variant.
Coding change: c.433C>T on transcript NM_000398.7 (MANE Select); coding-DNA position 433, C replaced by T.
Protein change: p.Pro145Ser; replaces proline 145 with serine.
Molecular consequence: missense variant.
Genome position (GRCh38, 1-based): chr22:42,628,182, G>A on the plus strand (C>T on the coding strand, the complement: CYB5R3 is on the minus strand). VCF-style: chr22-42628182-G-A. GRCh37 (hg19) VCF-style: chr22-43024188-G-A.
Other names: c.433C>T, p.Pro145Ser (NM_001031678.1); c.364C>T, p.Pro122Ser (NM_001129819.2, NM_001171661.1, NM_007326.4); c.532C>T, p.Pro178Ser (NM_001171660.2); short protein forms P145S, P178S, P122S.
Identifiers: ClinVar variation 2138454 (VCV002138454.5), dbSNP rs780736098, ClinGen allele CA411799138.
Genomic context (GRCh38, chr22:42,628,182, plus strand): 5'-GTGTAACCAAGGGATTCCGACCCGAATCACCTTTGCCCTGGTAGACCAGCAGCCCACTGG[G>A]GCCCCGGAACTCAATGGTGTCTCCAATCTGCATGCTCTCCAGGTACTGAGACATCTTCCC-3'
Protein context (NP_000389.1, residues 135-155): QIGDTIEFRG[Pro145Ser]SGLLVYQGKG